The following is an entry in ClinVar:

NM_177438.3(DICER1):c.140A>T (p.Tyr47Phe)

Gene: DICER1 (dicer 1, ribonuclease III; minus strand). Cytogenetic location: 14q32.13.
Variant type: single nucleotide variant.
Coding change: c.140A>T on transcript NM_177438.3 (MANE Select); coding-DNA position 140, A replaced by T.
Protein change: p.Tyr47Phe; replaces tyrosine 47 with phenylalanine.
Molecular consequence: missense variant. On other transcripts: 5 prime UTR variant (8), non-coding transcript variant (6), intron variant (1).
Genome position (GRCh38, 1-based): chr14:95,133,319, T>A on the plus strand (A>T on the coding strand, the complement: DICER1 is on the minus strand). VCF-style: chr14-95133319-T-A. GRCh37 (hg19) VCF-style: chr14-95599656-T-A.
Other names: c.140A>T, p.Tyr47Phe (NM_001195573.1, NM_001271282.3, NM_001291628.2 and 14 more transcripts); c.-135A>T (NM_001395686.1, NM_001395688.1, NM_001395689.1 and 3 more transcripts); c.-319A>T (NM_001395691.1); c.-1429A>T (NM_001395697.1); c.-130-642A>T (NM_001395687.1); short protein forms Y47F.
Identifiers: ClinVar variation 5035222 (VCV005035222.1).

ClinVar aggregate classification (germline): Uncertain significance (1 of 4 stars; one submission).

Conditions:
Hereditary cancer-predisposing syndrome. Also called: Hereditary Cancer Syndrome; Neoplastic Syndromes, Hereditary; Tumor predisposition; Hereditary neoplastic syndrome. Identifiers: Orphanet 140162, MedGen C0027672, MeSH D009386, MONDO:0015356.

gnomAD v4.1: 12 of 1,614,140 alleles (0.00074%); highest among the groups gnomAD compares: Non-Finnish European, 0.001%; no homozygotes.

Submission:

Ambry Genetics
Classification: Uncertain significance for Hereditary cancer-predisposing syndrome. Last evaluated: 2026-07-28. Review status: criteria provided, single submitter. Criteria: Ambry Variant Classification Scheme 2023. Collection method: clinical testing. Allele origin: germline.
Comment: The p.Y47F variant (also known as c.140A>T), located in coding exon 1 of the DICER1 gene, results from an A to T substitution at nucleotide position 140. The tyrosine at codon 47 is replaced by phenylalanine, an amino acid with highly similar properties. This amino acid position is conserved. In addition, the in silico prediction for this alteration is inconclusive. Based on the available evidence, the clinical significance of this variant remains unclear.